The following is an entry in ClinVar:

NM_181882.3(PRX):c.1645C>T (p.Pro549Ser)

Gene: PRX (periaxin; minus strand). Cytogenetic location: 19q13.2.
Variant type: single nucleotide variant.
Coding change: c.1645C>T on transcript NM_181882.3 (MANE Select); coding-DNA position 1645, C replaced by T.
Protein change: p.Pro549Ser; replaces proline 549 with serine.
Molecular consequence: missense variant. On other transcripts: 3 prime UTR variant (1).
Genome position (GRCh38, 1-based): chr19:40,396,707, G>A on the plus strand (C>T on the coding strand, the complement: PRX is on the minus strand). VCF-style: chr19-40396707-G-A. GRCh37 (hg19) VCF-style: chr19-40902614-G-A.
Other names: c.*1850C>T (NM_020956.2); short protein forms P549S.
Identifiers: ClinVar variation 1015005 (VCV001015005.9), dbSNP rs1397900999, ClinGen allele CA405897968.

ClinVar aggregate classification (germline): Uncertain significance (1 of 4 stars; one submission).

Conditions:
Charcot-Marie-Tooth disease type 4. Also called: Charcot-Marie-Tooth disease, type IV; Charcot-Marie-Tooth, Type 4. Identifiers: Orphanet 64749, MedGen C4082197, MONDO:0018995.

Allele frequency attached by ClinVar (database versions not stated): gnomAD exomes below 0.00001 and 0.00001; gnomAD 0.00004; TOPMed 0.00004.
gnomAD v4.1: 8 of 1,613,012 alleles (0.0005%); highest among the groups gnomAD compares: Admixed American, 0.013%; no homozygotes.

Submission:

Labcorp Genetics (formerly Invitae), Labcorp
Classification: Uncertain significance for Charcot-Marie-Tooth disease type 4. Last evaluated: 2020-03-03. Review status: criteria provided, single submitter. Criteria: Invitae Variant Classification Sherloc (09022015). Collection method: clinical testing. Allele origin: germline.
Comment: In summary, the available evidence is currently insufficient to determine the role of this variant in disease. Therefore, it has been classified as a Variant of Uncertain Significance. Algorithms developed to predict the effect of missense changes on protein structure and function (SIFT, PolyPhen-2, Align-GVGD) all suggest that this variant is likely to be tolerated, but these predictions have not been confirmed by published functional studies and their clinical significance is uncertain. This variant has not been reported in the literature in individuals with PRX-related conditions. This variant is not present in population databases (ExAC no frequency). This sequence change replaces proline with serine at codon 549 of the PRX protein (p.Pro549Ser). The proline residue is weakly conserved and there is a moderate physicochemical difference between proline and serine.